The following is an entry in ClinVar:

NM_001079668.3(NKX2-1):c.188G>T (p.Gly63Val)

Genes: NKX2-1 (NK2 homeobox 1; minus strand), SFTA3 (surfactant associated 3; minus strand). Cytogenetic location: 14q13.3.
Variant type: single nucleotide variant.
Coding change: c.188G>T on transcript NM_001079668.3 (MANE Select); coding-DNA position 188, G replaced by T.
Protein change: p.Gly63Val; replaces glycine 63 with valine.
Molecular consequence: missense variant.
Genome position (GRCh38, 1-based): chr14:36,519,260, C>A on the plus strand (G>T on the coding strand, the complement: NKX2-1 is on the minus strand). VCF-style: chr14-36519260-C-A. GRCh37 (hg19) VCF-style: chr14-36988465-C-A.
Other names: c.98G>T, p.Gly33Val (NM_003317.4); short protein forms G33V, G63V.
Identifiers: ClinVar variation 2304218 (VCV002304218.5), dbSNP rs200134608, ClinGen allele CA258878671.

ClinVar aggregate classification (germline): Uncertain significance. Review status: criteria provided, multiple submitters, no conflicts (2 of 4 stars). 2 submissions from 2 submitters: Uncertain significance (2). Last evaluated 2025-10-13.

Conditions:
Inborn genetic diseases. Identifiers: MedGen C0950123, MeSH D030342.

Allele frequency attached by ClinVar (database versions not stated): TOPMed below 0.00001; gnomAD 0.00001; gnomAD exomes below 0.00001.
gnomAD v4.1: 6 of 1,610,472 alleles (0.00037%); highest among the groups gnomAD compares: African/African-American, 0.0027%; no homozygotes.

Submissions (2):

Labcorp Genetics (formerly Invitae), Labcorp
Classification: Uncertain significance. Last evaluated: 2025-10-13. Review status: criteria provided, single submitter. Criteria: Invitae Variant Classification Sherloc (09022015). Collection method: clinical testing. Allele origin: germline.
Comment: This sequence change replaces glycine, which is neutral and non-polar, with valine, which is neutral and non-polar, at codon 63 of the NKX2-1 protein (p.Gly63Val). The frequency data for this variant in the population databases is considered unreliable, as metrics indicate poor data quality at this position in the gnomAD database. This variant has not been reported in the literature in individuals affected with NKX2-1-related conditions. ClinVar contains an entry for this variant (Variation ID: 2304218). An algorithm developed to predict the effect of missense changes on protein structure and function (PolyPhen-2) suggests that this variant is likely to be disruptive. In summary, the available evidence is currently insufficient to determine the role of this variant in disease. Therefore, it has been classified as a Variant of Uncertain Significance.

Ambry Genetics
Classification: Uncertain significance for Inborn genetic diseases. Last evaluated: 2022-08-01. Review status: criteria provided, single submitter. Criteria: Ambry Variant Classification Scheme 2023. Collection method: clinical testing. Allele origin: germline.